The following is an entry in ClinVar:

NM_000275.3(OCA2):c.553G>T (p.Ala185Ser)

Gene: OCA2 (OCA2 melanosomal transmembrane protein; minus strand). Cytogenetic location: 15q13.1.
Variant type: single nucleotide variant.
Coding change: c.553G>T on transcript NM_000275.3 (MANE Select); coding-DNA position 553, G replaced by T.
Protein change: p.Ala185Ser; replaces alanine 185 with serine.
Molecular consequence: missense variant.
Genome position (GRCh38, 1-based): chr15:28,024,865, C>A on the plus strand (G>T on the coding strand, the complement: OCA2 is on the minus strand). VCF-style: chr15-28024865-C-A. GRCh37 (hg19) VCF-style: chr15-28270011-C-A.
Other names: c.553G>T, p.Ala185Ser (NM_001300984.2); c.553G>T (NM_000275.2); short protein forms A185S.
Identifiers: ClinVar variation 1461458 (VCV001461458.6), dbSNP rs2042701586, ClinGen allele CA391361518.

ClinVar aggregate classification (germline): Uncertain significance. Review status: criteria provided, multiple submitters, no conflicts (2 of 4 stars). 2 submissions from 2 submitters: Uncertain significance (2). Last evaluated 2023-11-06.

Conditions:
Inborn genetic diseases. Identifiers: MedGen C0950123, MeSH D030342.

Allele frequency attached by ClinVar (database versions not stated): TOPMed 0.00001.
gnomAD v4.1: 2 of 1,614,232 alleles (0.00012%); highest among the groups gnomAD compares: Admixed American, 0.0017%; no homozygotes.

Submissions (2):

Ambry Genetics
Classification: Uncertain significance for Inborn genetic diseases. Last evaluated: 2023-11-06. Review status: criteria provided, single submitter. Criteria: Ambry Variant Classification Scheme 2023. Collection method: clinical testing. Allele origin: germline.

Labcorp Genetics (formerly Invitae), Labcorp
Classification: Uncertain significance. Last evaluated: 2022-03-03. Review status: criteria provided, single submitter. Criteria: Invitae Variant Classification Sherloc (09022015). Collection method: clinical testing. Allele origin: germline.
Comment: This sequence change replaces alanine, which is neutral and non-polar, with serine, which is neutral and polar, at codon 185 of the OCA2 protein (p.Ala185Ser). This variant is not present in population databases (gnomAD no frequency). This variant has not been reported in the literature in individuals affected with OCA2-related conditions. Advanced modeling of protein sequence and biophysical properties (such as structural, functional, and spatial information, amino acid conservation, physicochemical variation, residue mobility, and thermodynamic stability) performed at Invitae indicates that this missense variant is not expected to disrupt OCA2 protein function. In summary, the available evidence is currently insufficient to determine the role of this variant in disease. Therefore, it has been classified as a Variant of Uncertain Significance.